The following is an entry in ClinVar:

NM_201384.3(PLEC):c.4213G>A (p.Glu1405Lys)

Gene: PLEC (plectin; minus strand). Cytogenetic location: 8q24.3.
Variant type: single nucleotide variant.
Coding change: c.4213G>A on transcript NM_201384.3 (MANE Select); coding-DNA position 4213, G replaced by A.
Protein change: p.Glu1405Lys; replaces glutamic acid 1405 with lysine.
Molecular consequence: missense variant.
Genome position (GRCh38, 1-based): chr8:143,925,716, C>T on the plus strand (G>A on the coding strand, the complement: PLEC is on the minus strand). VCF-style: chr8-143925716-C-T. GRCh37 (hg19) VCF-style: chr8-144999884-C-T.
Other names: c.4294G>A, p.Glu1432Lys (NM_000445.5); c.4171G>A, p.Glu1391Lys (NM_201378.4); c.4147G>A, p.Glu1383Lys (NM_201379.3); c.4624G>A, p.Glu1542Lys (NM_201380.4); c.4117G>A, p.Glu1373Lys (NM_201381.3); c.4213G>A, p.Glu1405Lys (NM_201382.4); c.4225G>A, p.Glu1409Lys (NM_201383.3); short protein forms E1391K, E1405K, E1409K, E1432K, E1542K, E1373K, E1383K.
Identifiers: ClinVar variation 1489359 (VCV001489359.7), dbSNP rs782015257, ClinGen allele CA4926737.

ClinVar aggregate classification (germline): Uncertain significance. Review status: criteria provided, multiple submitters, no conflicts (2 of 4 stars). 2 submissions from 2 submitters: Uncertain significance (2). Last evaluated 2021-08-05.

Conditions:
Autosomal recessive limb-girdle muscular dystrophy type 2Q (LGMDR17). Also called: MUSCULAR DYSTROPHY, LIMB-GIRDLE, AUTOSOMAL RECESSIVE 17. Identifiers: Orphanet 254361, MedGen C3150989, MONDO:0013390, OMIM 613723.
Epidermolysis bullosa simplex 5B, with muscular dystrophy (EBS5B). Also called: EPIDERMOLYSIS BULLOSA SIMPLEX AND LIMB-GIRDLE MUSCULAR DYSTROPHY; Epidermolysis bullosa simplex with muscular dystrophy. Identifiers: Orphanet 257, MedGen C2931072, MONDO:0009181, OMIM 226670.
Epidermolysis bullosa simplex, Ogna type (EBS5A). Also called: Pidermolysis bullosa simplex 5A, Ogna type; EPIDERMOLYSIS BULLOSA SIMPLEX 5A, OGNA TYPE. Identifiers: Orphanet 79401, MedGen C0432317, MONDO:0007555, OMIM 131950.
Epidermolysis bullosa simplex 5C, with pyloric atresia (EBS5C). Also called: PLEC1-Related Epidermolysis Bullosa with Pyloric Atresia; PLEC-Related Epidermolysis Bullosa with Pyloric Atresia; Epidermolysis bullosa simplex with pyloric atresia. Identifiers: Orphanet 158684, MedGen C2677349, MONDO:0012807, OMIM 612138.
Epidermolysis bullosa simplex with nail dystrophy (EBS5D). Identifiers: MedGen C4225309, MONDO:0014661, OMIM 616487.

Allele frequency attached by ClinVar (database versions not stated): gnomAD exomes 0.00001; ExAC 0.00002.
gnomAD v4.1: 12 of 1,595,096 alleles (0.00075%); highest among the groups gnomAD compares: Non-Finnish European, 0.00051%; no homozygotes.

Submissions (2):

Labcorp Genetics (formerly Invitae), Labcorp
Classification: Uncertain significance for Autosomal recessive limb-girdle muscular dystrophy type 2Q; Epidermolysis bullosa simplex, Ogna type; Epidermolysis bullosa simplex with nail dystrophy; Epidermolysis bullosa simplex 5C, with pyloric atresia; Epidermolysis bullosa simplex 5B, with muscular dystrophy. Last evaluated: 2021-08-05. Review status: criteria provided, single submitter. Criteria: Invitae Variant Classification Sherloc (09022015). Collection method: clinical testing. Allele origin: germline.
Comment: In summary, the available evidence is currently insufficient to determine the role of this variant in disease. Therefore, it has been classified as a Variant of Uncertain Significance. Algorithms developed to predict the effect of missense changes on protein structure and function are either unavailable or do not agree on the potential impact of this missense change (SIFT: "Tolerated"; PolyPhen-2: "Not Available"; Align-GVGD: "Class C0"). This variant has not been reported in the literature in individuals affected with PLEC-related conditions. This variant is present in population databases (rs782015257, ExAC 0.004%). This sequence change replaces glutamic acid with lysine at codon 1432 of the PLEC protein (p.Glu1432Lys). The glutamic acid residue is moderately conserved and there is a small physicochemical difference between glutamic acid and lysine.

Blueprint Genetics
Classification: Uncertain significance. Last evaluated: 2021-04-30. Review status: criteria provided, single submitter. Criteria: ACMG Guidelines, 2015. Collection method: clinical testing. Allele origin: germline.